The following is an entry in ClinVar:

NM_006178.4(NSF):c.1805T>C (p.Val602Ala)

Genes: LRRC37A2 (leucine rich repeat containing 37 member A2), NSF (N-ethylmaleimide sensitive factor, vesicle fusing ATPase; plus strand). Cytogenetic location: 17q21.31.
Variant type: single nucleotide variant.
Coding change: c.1805T>C on transcript NM_006178.4 (MANE Select); coding-DNA position 1805, T replaced by C.
Protein change: p.Val602Ala; replaces valine 602 with alanine.
Molecular consequence: missense variant. On other transcripts: non-coding transcript variant (1).
Genome position (GRCh38, 1-based): chr17:46,726,592, T>C. VCF-style: chr17-46726592-T-C. GRCh37 (hg19) VCF-style: chr17-44803958-T-C.
Other names: short protein forms V602A.
Identifiers: ClinVar variation 4819939 (VCV004819939.1).

ClinVar aggregate classification (germline): Likely benign (1 of 4 stars; one submission).

Conditions:
Developmental and epileptic encephalopathy 96. Identifiers: MedGen C5543446, MONDO:0023659, OMIM 619340.

Submission:

Centre for Medical Genetics,  Mumbai
Classification: Likely benign for Developmental and epileptic encephalopathy 96. Last evaluated: 2026-03-23. Review status: criteria provided, single submitter. Criteria: ACMG Guidelines, 2015. Collection method: provider interpretation. Allele origin: germline. Inheritance: Autosomal dominant inheritance. Affected: no. Observed: 1 variant allele, 1 heterozygote.
Comment: The variant satisfies PM2 criteria; Extremely low frequency in gnomAD population databases. The variant satisfies PP3 criteria; For a missense or a splicing region variant, computational prediction tools unanimously support a deleterious effect on the gene. However, the variant satisfies BS2 criteria.

Literature cited by the submitters: PubMed 31675180.